The following is an entry in ClinVar:

ClinVar aggregate classification (germline): Likely pathogenic. Review status: criteria provided, multiple submitters, no conflicts (2 of 4 stars). 3 submissions from 3 submitters: Likely pathogenic (2). 1 of the submissions does not count toward it. Last evaluated 2020-10-16.

Conditions:
Pituitary stalk interruption syndrome. Identifiers: Orphanet 95496, MedGen C4053775, MONDO:0019828.
Fanconi anemia (FA). Also called: Fanconi's anemia. Identifiers: Orphanet 84, MedGen C0015625, MeSH D005199, MONDO:0019391.
Fanconi anemia complementation group G. Also called: FANCG-Related Fanconi Anemia; Fanconi anemia group G. Identifiers: Orphanet 84, MedGen C3469527, MONDO:0013565, OMIM 614082.

Submissions (3):

Sema4
Classification: Likely pathogenic for Fanconi anemia. Last evaluated: 2020-10-16. Review status: criteria provided, single submitter. Criteria: Sema4 Curation Guidelines. Collection method: curation. Allele origin: germline.
Comment: The FANCG c.256C>T (p.Q86X) variant has been reported in at least one individual with Fanconi Anemia (PMID: 28717661). This nonsense variant creates a premature stop codon at residue 86 of the FANCG protein. At this location, this is predicted to cause nonsense-mediated decay and result in an absent protein (loss of function). This variant is not reported in the Genome Aggregation Database (PMID: 27535533). Based on the current evidence available, this variant is interpreted as likely pathogenic.

Human Developmental Genetics, Institut Pasteur
Classification: Likely pathogenic for Pituitary stalk interruption syndrome. Last evaluated: 2020-04-01. Review status: criteria provided, single submitter. Criteria: ACMG Guidelines, 2015. Collection method: research. Allele origin: unknown. Affected: yes.

Leiden Open Variation Database
Classification: Pathogenic for Fanconi anemia complementation group G. Last evaluated: 2020-02-28. Review status: no assertion criteria provided. Collection method: curation. Allele origin: germline. Affected: yes. Not counted in ClinVar's aggregate classification.
Comment: Curator: Arleen D. Auerbach. Submitter to LOVD: Arleen D. Auerbach.

Literature cited by the submitters: PubMed 28717661 (cited by Sema4).

NM_004629.2(FANCG):c.256C>T (p.Gln86Ter)

Gene: FANCG (FA complementation group G; minus strand). Cytogenetic location: 9p13.3.
Variant type: single nucleotide variant.
Coding change: c.256C>T on transcript NM_004629.2 (MANE Select); coding-DNA position 256, C replaced by T.
Protein change: p.Gln86Ter; replaces glutamine 86 with a stop codon.
Molecular consequence: nonsense.
Genome position (GRCh38, 1-based): chr9:35,078,656, G>A on the plus strand (C>T on the coding strand, the complement: FANCG is on the minus strand). VCF-style: chr9-35078656-G-A. GRCh37 (hg19) VCF-style: chr9-35078653-G-A.
Other names: short protein forms Q86*.
Identifiers: ClinVar variation 929679 (VCV000929679.3), dbSNP rs1829129603, ClinGen allele CA373315251.